The following is an entry in ClinVar:

ClinVar aggregate classification (germline): Likely benign (1 of 4 stars; one submission).

Allele frequency attached by ClinVar (database versions not stated): gnomAD 0.00001.

Submission:

CeGaT Center for Human Genetics Tuebingen
Classification: Likely benign. Last evaluated: 2023-08-01. Review status: criteria provided, single submitter. Criteria: CeGaT Center For Human Genetics Tuebingen Variant Classification Criteria Version 2. Collection method: clinical testing. Allele origin: germline. Affected: yes. Observed: 1 variant allele.
Comment: KMT2D: BP4, BP7

NM_003482.4(KMT2D):c.13890A>C (p.Pro4630=)

Gene: KMT2D (lysine methyltransferase 2D; minus strand). Cytogenetic location: 12q13.12.
Variant type: single nucleotide variant.
Coding change: c.13890A>C on transcript NM_003482.4 (MANE Select); coding-DNA position 13890, A replaced by C.
Protein change: p.Pro4630=; no amino-acid change (proline 4630 retained).
Molecular consequence: synonymous variant.
Genome position (GRCh38, 1-based): chr12:49,030,389, T>G on the plus strand (A>C on the coding strand, the complement: KMT2D is on the minus strand). VCF-style: chr12-49030389-T-G. GRCh37 (hg19) VCF-style: chr12-49424172-T-G.
Identifiers: ClinVar variation 2642936 (VCV002642936.24), dbSNP rs1266735129, ClinGen allele CA479706687.